The following is an entry in ClinVar:

NM_001377.3(DYNC2H1):c.2992C>T (p.Arg998Ter)

Gene: DYNC2H1 (dynein cytoplasmic 2 heavy chain 1; plus strand). Cytogenetic location: 11q22.3.
Variant type: single nucleotide variant.
Coding change: c.2992C>T on transcript NM_001377.3 (MANE Select); coding-DNA position 2992, C replaced by T.
Protein change: p.Arg998Ter; replaces arginine 998 with a stop codon.
Molecular consequence: nonsense.
Genome position (GRCh38, 1-based): chr11:103,152,181, C>T. VCF-style: chr11-103152181-C-T. GRCh37 (hg19) VCF-style: chr11-103022910-C-T.
Other names: c.2992C>T, p.Arg998Ter (NM_001080463.2); short protein forms R998*.
Identifiers: ClinVar variation 2722672 (VCV002722672.6), dbSNP rs756008276, ClinGen allele CA6253230.
Genomic context (GRCh38, chr11:103,152,181, plus strand): 5'-TTTTTTAACCTTTAGATTTTGCCCTTATTTCAAGAAGCTGAAGACAAAAACAGACTTTTA[C>T]GAACTGTGGCTGGTGGAGGTTTAGAAACAATTAGTAATTTGAAAGCCAAGTGGGATAAAT-3'

ClinVar aggregate classification (germline): Pathogenic/Likely pathogenic. Review status: criteria provided, multiple submitters, no conflicts (2 of 4 stars). 3 submissions from 3 submitters: Pathogenic (2); Likely pathogenic (1). Last evaluated 2024-05-07.

Conditions:
Jeune thoracic dystrophy. Also called: Jeune syndrome; Infantile thoracic dystrophy; Thoracic pelvic phalangeal dystrophy; Jeune's syndrome; Chondroectodermal dysplasia-like syndrome; Short-rib thoracic dysplasia. Identifiers: Orphanet 474, MedGen C0265275, MONDO:0018770.
Asphyxiating thoracic dystrophy 3. Also called: Saldino-Noonan Syndrome; SHORT-RIB THORACIC DYSPLASIA 3 WITH OR WITHOUT POLYDACTYLY; POLYDACTYLY WITH NEONATAL CHONDRODYSTROPHY, TYPE I; SHORT-RIB THORACIC DYSPLASIA 3/6 WITH POLYDACTYLY, DIGENIC; Short rib polydactyly syndrome 2B. Identifiers: Orphanet 474, Orphanet 93269, Orphanet 93270, Orphanet 93271, MedGen C0036069, MONDO:0013127, OMIM 613091.

Allele frequency attached by ClinVar (database versions not stated): ExAC 0.00003; gnomAD 0.00001.
gnomAD v4.1: 18 of 1,603,052 alleles (0.0011%); highest among the groups gnomAD compares: Admixed American, 0.0034%; no homozygotes.

Submissions (3):

Myriad Genetics, Inc.
Classification: Pathogenic for Asphyxiating thoracic dystrophy 3. Last evaluated: 2024-05-07. Review status: criteria provided, single submitter. Criteria: Myriad Autosomal Dominant, Autosomal Recessive and X-Linked Classification Criteria (2023). Collection method: clinical testing. Allele origin: unknown.
Comment: NM_001377.2(DYNC2H1):c.2992C>T(R998*) is expected to be pathogenic in the context of DYNC2H1-related disorders. This variant is predicted to lead to an abnormal or absent protein product due to the creation of a premature termination codon in DYNC2H1, a gene where loss-of-function variants are known to be pathogenic. Please note: this variant was assessed in the context of healthy population screening.

Fulgent Genetics
Classification: Likely pathogenic for Asphyxiating thoracic dystrophy 3. Last evaluated: 2024-04-25. Review status: criteria provided, single submitter. Criteria: ACMG Guidelines, 2015. Collection method: clinical testing. Allele origin: germline.

Labcorp Genetics (formerly Invitae), Labcorp
Classification: Pathogenic for Jeune thoracic dystrophy. Last evaluated: 2023-10-16. Review status: criteria provided, single submitter. Criteria: Invitae Variant Classification Sherloc (09022015). Collection method: clinical testing. Allele origin: germline.
Comment: This sequence change creates a premature translational stop signal (p.Arg998*) in the DYNC2H1 gene. It is expected to result in an absent or disrupted protein product. Loss-of-function variants in DYNC2H1 are known to be pathogenic (PMID: 23339108, 32753734, 33755199). This variant is present in population databases (rs756008276, gnomAD 0.006%). This premature translational stop signal has been observed in individual(s) with clinical features of short rib polydactyly (SRP) type III syndrome (PMID: 29359448). For these reasons, this variant has been classified as Pathogenic.

Literature cited by the submitters: PubMed 23339108 (cited by Labcorp Genetics (formerly Invitae), Labcorp); PubMed 32753734 (cited by Labcorp Genetics (formerly Invitae), Labcorp); PubMed 33755199 (cited by Labcorp Genetics (formerly Invitae), Labcorp); PubMed 29359448 (cited by Labcorp Genetics (formerly Invitae), Labcorp).